The following is an entry in ClinVar:

ClinVar aggregate classification (germline): Uncertain significance (1 of 4 stars; one submission).

gnomAD v4.1: 1 of 1,613,792 alleles (0.000062%); highest among the groups gnomAD compares: East Asian, 0.0022%; no homozygotes.

Submission:

GeneDx
Classification: Uncertain significance. Last evaluated: 2024-01-05. Review status: criteria provided, single submitter. Criteria: GeneDx Variant Classification Process June 2021. Collection method: clinical testing. Allele origin: germline. Affected: yes.
Comment: Not observed at significant frequency in large population cohorts (gnomAD); In silico analysis supports that this missense variant does not alter protein structure/function; Has not been previously published as pathogenic or benign to our knowledge

NM_001001548.3(CD36):c.28A>G (p.Ile10Val)

Gene: CD36 (CD36 molecule (CD36 blood group); plus strand). Cytogenetic location: 7q21.11.
Variant type: single nucleotide variant.
Coding change: c.28A>G on transcript NM_001001548.3 (MANE Select); coding-DNA position 28, A replaced by G.
Protein change: p.Ile10Val; replaces isoleucine 10 with valine.
Molecular consequence: missense variant. On other transcripts: 5 prime UTR variant (1), non-coding transcript variant (1), intron variant (2).
Genome position (GRCh38, 1-based): chr7:80,646,768, A>G. VCF-style: chr7-80646768-A-G. GRCh37 (hg19) VCF-style: chr7-80276084-A-G.
Other names: c.28A>G, p.Ile10Val (NM_000072.3, NM_001001547.3, NM_001127443.2 and 8 more transcripts); c.-455A>G (NM_001371081.1); c.-108-9772A>G (NM_001289911.2); c.-184-14295A>G (NM_001371080.1); short protein forms I10V.
Identifiers: ClinVar variation 3367631 (VCV003367631.1).